The following is an entry in ClinVar:

ClinVar aggregate classification (germline): Uncertain significance. Review status: criteria provided, multiple submitters, no conflicts (2 of 4 stars). 4 submissions from 4 submitters: Uncertain significance (4). Last evaluated 2025-08-06.

Conditions:
Inborn genetic diseases. Identifiers: MedGen C0950123, MeSH D030342.
Glycogen storage disease IXd (GSD9D). Also called: GSD IXd; Muscle Phosphorylase Kinase Deficiency. Identifiers: Orphanet 715, MedGen C1845151, MONDO:0010362, OMIM 300559.

Allele frequency attached by ClinVar (database versions not stated): gnomAD 0.00003; TOPMed 0.00003.
gnomAD v4.1: 44 of 1,199,653 alleles (0.0037%); highest among the groups gnomAD compares: Non-Finnish European, 0.0045%; no homozygotes.

Submissions (4):

Ambry Genetics
Classification: Uncertain significance for Inborn genetic diseases. Last evaluated: 2025-08-06. Review status: criteria provided, single submitter. Criteria: Ambry Variant Classification Scheme 2023. Collection method: clinical testing. Allele origin: germline.

Labcorp Genetics (formerly Invitae), Labcorp
Classification: Uncertain significance for Glycogen storage disease IXd. Last evaluated: 2025-01-19. Review status: criteria provided, single submitter. Criteria: Invitae Variant Classification Sherloc (09022015). Collection method: clinical testing. Allele origin: germline.
Comment: This sequence change replaces arginine, which is basic and polar, with histidine, which is basic and polar, at codon 1124 of the PHKA1 protein (p.Arg1124His). This variant is present in population databases (no rsID available, gnomAD 0.001%). This variant has not been reported in the literature in individuals affected with PHKA1-related conditions. ClinVar contains an entry for this variant (Variation ID: 914033). An algorithm developed to predict the effect of missense changes on protein structure and function (PolyPhen-2) suggests that this variant is likely to be disruptive. In summary, the available evidence is currently insufficient to determine the role of this variant in disease. Therefore, it has been classified as a Variant of Uncertain Significance.

GeneDx
Classification: Uncertain significance. Last evaluated: 2019-05-18. Review status: criteria provided, single submitter. Criteria: GeneDx Variant Classification Process June 2021. Collection method: clinical testing. Allele origin: germline. Affected: yes.
Comment: Not observed at a significant frequency in large population cohorts (Lek et al., 2016); In silico analysis, which includes protein predictors and evolutionary conservation, supports a deleterious effect; Has not been previously published as pathogenic or benign to our knowledge

Illumina Laboratory Services, Illumina
Classification: Uncertain significance for Glycogen storage disease IXd. Last evaluated: 2018-01-12. Review status: criteria provided, single submitter. Criteria: ICSL Variant Classification Criteria 13 December 2019. Collection method: clinical testing. Allele origin: germline.

NM_002637.4(PHKA1):c.3371G>A (p.Arg1124His)

Gene: PHKA1 (phosphorylase kinase regulatory subunit alpha 1; minus strand). Cytogenetic location: Xq13.1.
Variant type: single nucleotide variant.
Coding change: c.3371G>A on transcript NM_002637.4 (MANE Select); coding-DNA position 3371, G replaced by A.
Protein change: p.Arg1124His; replaces arginine 1124 with histidine.
Molecular consequence: missense variant.
Genome position (GRCh38, 1-based): chrX:72,582,525, C>T on the plus strand (G>A on the coding strand, the complement: PHKA1 is on the minus strand). VCF-style: chrX-72582525-C-T. GRCh37 (hg19) VCF-style: chrX-71802375-C-T.
Other names: c.3332G>A, p.Arg1111His (NM_001122670.2); c.3155G>A, p.Arg1052His (NM_001172436.2); short protein forms R1052H, R1124H, R1111H.
Identifiers: ClinVar variation 914033 (VCV000914033.10), dbSNP rs782546754, ClinGen allele CA413581486.